The following is an entry in ClinVar:

NM_000944.5(PPP3CA):c.1366G>T (p.Glu456Ter)

Gene: PPP3CA (protein phosphatase 3 catalytic subunit alpha; minus strand). Cytogenetic location: 4q24.
Variant type: single nucleotide variant.
Coding change: c.1366G>T on transcript NM_000944.5 (MANE Select); coding-DNA position 1366, G replaced by T.
Protein change: p.Glu456Ter; replaces glutamic acid 456 with a stop codon.
Molecular consequence: nonsense. On other transcripts: intron variant (2).
Genome position (GRCh38, 1-based): chr4:101,029,169, C>A on the plus strand (G>T on the coding strand, the complement: PPP3CA is on the minus strand). VCF-style: chr4-101029169-C-A. GRCh37 (hg19) VCF-style: chr4-101950326-C-A.
Other names: c.1213+3098G>T (NM_001130692.2); c.1339+3098G>T (NM_001130691.2); short protein forms E456*.
Identifiers: ClinVar variation 1690939 (VCV001690939.7), dbSNP rs1726803653, ClinGen allele CA357947875.

ClinVar aggregate classification (germline): Pathogenic/Likely pathogenic. Review status: criteria provided, multiple submitters, no conflicts (2 of 4 stars). 2 submissions from 2 submitters: Pathogenic (1); Likely pathogenic (1). Last evaluated 2022-09-28.

Submissions (2):

Labcorp Genetics (formerly Invitae), Labcorp
Classification: Pathogenic. Last evaluated: 2022-09-28. Review status: criteria provided, single submitter. Criteria: Invitae Variant Classification Sherloc (09022015). Collection method: clinical testing. Allele origin: germline.
Comment: ClinVar contains an entry for this variant (Variation ID: 1690939). This variant has not been reported in the literature in individuals affected with PPP3CA-related conditions. This variant is not present in population databases (gnomAD no frequency). This sequence change creates a premature translational stop signal (p.Glu456*) in the PPP3CA gene. While this is not anticipated to result in nonsense mediated decay, it is expected to disrupt the last 66 amino acid(s) of the PPP3CA protein. For these reasons, this variant has been classified as Pathogenic. This variant disrupts a region of the PPP3CA protein in which other variant(s) (p.His465Glnfs*9) have been determined to be pathogenic (Invitae). This suggests that this is a clinically significant region of the protein, and that variants that disrupt it are likely to be disease-causing.

Laboratorio de Genetica e Diagnostico Molecular, Hospital Israelita Albert Einstein
Classification: Likely pathogenic. Last evaluated: 2020-09-23. Review status: criteria provided, single submitter. Criteria: ACMG Guidelines, 2015. Collection method: clinical testing. Allele origin: germline. Affected: yes.
Comment: ACMG classification criteria: PVS1, PM2